The following is an entry in ClinVar:

NM_206933.4(USH2A):c.12458C>T (p.Ala4153Val)

Gene: USH2A (usherin; minus strand). Cytogenetic location: 1q41.
Variant type: single nucleotide variant.
Coding change: c.12458C>T on transcript NM_206933.4 (MANE Select); coding-DNA position 12458, C replaced by T.
Protein change: p.Ala4153Val; replaces alanine 4153 with valine.
Molecular consequence: missense variant.
Genome position (GRCh38, 1-based): chr1:215,675,453, G>A on the plus strand (C>T on the coding strand, the complement: USH2A is on the minus strand). VCF-style: chr1-215675453-G-A. GRCh37 (hg19) VCF-style: chr1-215848795-G-A.
Other names: short protein forms A4153V.
Identifiers: ClinVar variation 1049264 (VCV001049264.7), dbSNP rs779875423, ClinGen allele CA1393461.
Genomic context (GRCh38, chr1:215,675,453, plus strand): 5'-AGCTCAACACTGGTGGACTTCACAGAGTGGACAGTAGGAGCCAGCTGAGAGTCTGGAGGG[G>A]CTTCATCTGTCCACAGAGGCTGAGGCGCCGAGTGTGCACAACCTGCTCTGGTGCAGGCCT-3'
Protein context (NP_996816.3, residues 4143-4163): SAPQPLWTDE[Ala4153Val]PPDSQLAPTV

ClinVar aggregate classification (germline): Uncertain significance. Review status: criteria provided, multiple submitters, no conflicts (2 of 4 stars). 6 submissions from 5 submitters: Uncertain significance (5). 1 of the submissions does not count toward it. Last evaluated 2023-11-04.

Conditions:
Retinitis pigmentosa 39 (RP39). Identifiers: Orphanet 791, MedGen C3151138, MONDO:0013436, OMIM 613809.
Usher syndrome type 2A. Also called: RETINAL DISEASE IN USHER SYNDROME TYPE IIA, MODIFIER OF; USHER SYNDROME, TYPE IIA. Identifiers: Orphanet 231178, Orphanet 886, MedGen C1848634, MONDO:0010169, OMIM 276901.
Hearing impairment. Also called: Impaired Hearing. Identifiers: MedGen C1384666, MONDO:0005365, HP:0000365.

Allele frequency attached by ClinVar (database versions not stated): gnomAD exomes below 0.00001; ExAC 0.00001; gnomAD 0.00001; TOPMed 0.00002.
gnomAD v4.1: 24 of 1,613,906 alleles (0.0015%); highest among the groups gnomAD compares: Non-Finnish European, 0.002%; no homozygotes.

Submissions (6):

Genome-Nilou Lab
Classification: Uncertain significance for Retinitis pigmentosa 39. Last evaluated: 2023-11-04. Review status: criteria provided, single submitter. Criteria: ACMG Guidelines, 2015. Collection method: clinical testing. Allele origin: germline. Affected: no.

Genome-Nilou Lab
Classification: Uncertain significance for Usher syndrome type 2A. Last evaluated: 2023-11-04. Review status: criteria provided, single submitter. Criteria: ACMG Guidelines, 2015. Collection method: clinical testing. Allele origin: germline. Affected: no.

Blueprint Genetics
Classification: Uncertain significance. Last evaluated: 2023-05-09. Review status: criteria provided, single submitter. Criteria: ACMG Guidelines, 2015. Collection method: clinical testing. Allele origin: germline.

Labcorp Genetics (formerly Invitae), Labcorp
Classification: Uncertain significance. Last evaluated: 2022-04-19. Review status: criteria provided, single submitter. Criteria: Invitae Variant Classification Sherloc (09022015). Collection method: clinical testing. Allele origin: germline.
Comment: This sequence change replaces alanine, which is neutral and non-polar, with valine, which is neutral and non-polar, at codon 4153 of the USH2A protein (p.Ala4153Val). The frequency data for this variant in the population databases is considered unreliable, as metrics indicate poor data quality at this position in the gnomAD database. This variant has not been reported in the literature in individuals affected with USH2A-related conditions. ClinVar contains an entry for this variant (Variation ID: 1049264). Algorithms developed to predict the effect of missense changes on protein structure and function are either unavailable or do not agree on the potential impact of this missense change (SIFT: "Deleterious"; PolyPhen-2: "Benign"; Align-GVGD: "Class C55"). In summary, the available evidence is currently insufficient to determine the role of this variant in disease. Therefore, it has been classified as a Variant of Uncertain Significance.

Department of Otolaryngology – Head & Neck Surgery, Cochlear Implant Center
Classification: Uncertain significance for Hearing impairment. Last evaluated: 2021-04-12. Review status: criteria provided, single submitter. Criteria: ClinGen HL ACMG Specifications v1. Collection method: clinical testing. Allele origin: germline. Affected: yes.
Comment: PM2_Moderate, PM5_Moderate, PP3_Supporting

Department of Pathology and Laboratory Medicine, Sinai Health System
Classification: Uncertain significance. Review status: no assertion criteria provided. Collection method: clinical testing. Allele origin: unknown. Affected: yes. Study: The Canadian Open Genetics Repository (COGR). Not counted in ClinVar's aggregate classification.